The following is an entry in ClinVar:

NM_170741.4(KCNJ16):c.896A>G (p.Tyr299Cys)

Gene: KCNJ16 (potassium inwardly rectifying channel subfamily J member 16; plus strand). Cytogenetic location: 17q24.3.
Variant type: single nucleotide variant.
Coding change: c.896A>G on transcript NM_170741.4 (MANE Select); coding-DNA position 896, A replaced by G.
Protein change: p.Tyr299Cys; replaces tyrosine 299 with cysteine.
Molecular consequence: missense variant.
Genome position (GRCh38, 1-based): chr17:70,132,983, A>G. VCF-style: chr17-70132983-A-G. GRCh37 (hg19) VCF-style: chr17-68129124-A-G.
Other names: c.896A>G, p.Tyr299Cys (NM_001270422.2, NM_001291622.3, NM_001291623.2 and 4 more transcripts); short protein forms Y299C.
Identifiers: ClinVar variation 5005798 (VCV005005798.2).

ClinVar aggregate classification (germline): Uncertain significance (1 of 4 stars; one submission).

Conditions:
Hypokalemic tubulopathy and deafness. Identifiers: MedGen C5543621, MONDO:0859167, OMIM 619406.

Submission:

Juno Genomics, Hangzhou Juno Genomics, Inc
Classification: Uncertain significance for Hypokalemic tubulopathy and deafness. Review status: criteria provided, single submitter. Criteria: ACMG Guidelines, 2015. Collection method: clinical testing. Allele origin: germline.
Comment: Absent from controls (or at extremely low frequency if recessive) in Genome Aggregation Database.;Multiple lines of computational evidence support a deleterious effect on the gene or gene product.